The following is an entry in ClinVar:

ClinVar aggregate classification (germline): Uncertain significance (1 of 4 stars; one submission).

Allele frequency attached by ClinVar (database versions not stated): gnomAD exomes below 0.00001.
gnomAD v4.1: 1 of 1,613,816 alleles (0.000062%); highest among the groups gnomAD compares: Non-Finnish European, 0.000085%; no homozygotes.

Submission:

Ambry Genetics
Classification: Uncertain significance. Last evaluated: 2021-10-09. Review status: criteria provided, single submitter. Criteria: Ambry Variant Classification Scheme 2023. Collection method: clinical testing. Allele origin: germline.
Comment: The p.S1129C variant (also known as c.3386C>G), located in coding exon 17 of the NPAT gene, results from a C to G substitution at nucleotide position 3386. The serine at codon 1129 is replaced by cysteine, an amino acid with dissimilar properties. This amino acid position is conserved. In addition, this alteration is predicted to be tolerated by in silico analysis. Since supporting evidence is limited at this time, the clinical significance of this alteration remains unclear.

NM_002519.3(NPAT):c.3386C>G (p.Ser1129Cys)

Gene: NPAT (nuclear protein, coactivator of histone transcription; minus strand). Cytogenetic location: 11q22.3.
Variant type: single nucleotide variant.
Coding change: c.3386C>G on transcript NM_002519.3 (MANE Select); coding-DNA position 3386, C replaced by G.
Protein change: p.Ser1129Cys; replaces serine 1129 with cysteine.
Molecular consequence: missense variant.
Genome position (GRCh38, 1-based): chr11:108,161,700, G>C on the plus strand (C>G on the coding strand, the complement: NPAT is on the minus strand). VCF-style: chr11-108161700-G-C. GRCh37 (hg19) VCF-style: chr11-108032427-G-C.
Other names: c.3407C>G, p.Ser1136Cys (NM_001321307.1); short protein forms S1129C, S1136C.
Identifiers: ClinVar variation 1730852 (VCV001730852.2), dbSNP rs2077852313, ClinGen allele CA382510922.
Genomic context (GRCh38, chr11:108,161,700, plus strand): 5'-TTCTTTTCTGATTGAGTTTCTCTTATGGTGGTATGCCGGCTAATGGCACTTTCCGATTTA[G>C]ATAAAATCTTAGGCAGAGGAGGCTTCTCTTTCTCTCTTTTGATAGCATTATTAGAAGGGG-3'
Protein context (NP_002510.2, residues 1119-1139): KEKPPLPKIL[Ser1129Cys]KSESAISRHT